The following is an entry in ClinVar:

ClinVar aggregate classification (germline): Uncertain significance (1 of 4 stars; one submission).

Conditions:
Leukocyte adhesion deficiency 3. Also called: INTEGRIN ACTIVATION DEFICIENCY DISEASE; LEUKOCYTE ADHESION DEFICIENCY 1 VARIANT; Leukocyte adhesion deficiency, type III. Identifiers: Orphanet 2968, Orphanet 99844, MedGen C2748536, MONDO:0013016, OMIM 612840.

Allele frequency attached by ClinVar (database versions not stated): gnomAD 0.00007; TOPMed 0.00008.
gnomAD v4.1: 29 of 1,603,148 alleles (0.0018%); highest among the groups gnomAD compares: African/African-American, 0.015%; no homozygotes.

Submission:

Labcorp Genetics (formerly Invitae), Labcorp
Classification: Uncertain significance for Leukocyte adhesion deficiency 3. Last evaluated: 2023-08-04. Review status: criteria provided, single submitter. Criteria: Invitae Variant Classification Sherloc (09022015). Collection method: clinical testing. Allele origin: germline.
Comment: In summary, the available evidence is currently insufficient to determine the role of this variant in disease. Therefore, it has been classified as a Variant of Uncertain Significance. An algorithm developed to predict the effect of missense changes on protein structure and function (PolyPhen-2) suggests that this variant¬†is likely to be tolerated. ClinVar contains an entry for this variant (Variation ID: 1022184). This variant has not been reported in the literature in individuals affected with FERMT3-related conditions. The frequency data for this variant in the population databases is considered unreliable, as metrics indicate poor data quality at this position in the gnomAD database. This sequence change replaces arginine, which is basic and polar, with glutamine, which is neutral and polar, at codon 215 of the FERMT3 protein (p.Arg215Gln).

NM_031471.6(FERMT3):c.644G>A (p.Arg215Gln)

Gene: FERMT3 (FERM domain containing kindlin 3; plus strand). Cytogenetic location: 11q13.1.
Variant type: single nucleotide variant.
Coding change: c.644G>A on transcript NM_031471.6 (MANE Select); coding-DNA position 644, G replaced by A.
Protein change: p.Arg215Gln; replaces arginine 215 with glutamine.
Molecular consequence: missense variant.
Genome position (GRCh38, 1-based): chr11:64,211,404, G>A. VCF-style: chr11-64211404-G-A. GRCh37 (hg19) VCF-style: chr11-63978876-G-A.
Other names: c.644G>A, p.Arg215Gln (NM_001382361.1, NM_001382362.1, NM_001382448.1 and 1 more transcripts); c.104G>A, p.Arg35Gln (NM_001382363.1, NM_001382364.1); short protein forms R215Q, R35Q.
Identifiers: ClinVar variation 1022184 (VCV001022184.6), dbSNP rs542357552, ClinGen allele CA6068832.
Genomic context (GRCh38, chr11:64,211,404, plus strand): 5'-ACCACATGCTGAGCCGGCCCCAGCCGCCACCCGACCCCCTCCTGCTCCAGCGTCTGCCAC[G>A]GCCCAGCTCCCTGTCAGACAAGACCCAGCTCCACAGCAGGTGCACCCAGGAGCCACGCCC-3'
Protein context (NP_113659.3, residues 205-225): PDPLLLQRLP[Arg215Gln]PSSLSDKTQL